The following is an entry in ClinVar:

ClinVar aggregate classification (germline): Pathogenic (1 of 4 stars; one submission).

Conditions:
Early-infantile DEE. Also called: Ohtahara syndrome; Early infantile epileptic encephalopathy; Early infantile epileptic encephalopathy with suppression bursts. Identifiers: Orphanet 1934, MedGen C0393706, MONDO:0800491.

Submission:

Labcorp Genetics (formerly Invitae), Labcorp
Classification: Pathogenic for Early-infantile DEE. Last evaluated: 2024-10-03. Review status: criteria provided, single submitter. Criteria: Invitae Variant Classification Sherloc (09022015). Collection method: clinical testing. Allele origin: germline.
Comment: This sequence change falls in intron 15 of the KCNQ2 gene. It does not directly change the encoded amino acid sequence of the KCNQ2 protein. It affects a nucleotide within the consensus splice site. This variant is not present in population databases (gnomAD no frequency). This variant has been observed in individual(s) with seizures (internal data). In at least one individual the variant was observed to be de novo. Variants that disrupt the consensus splice site are a relatively common cause of aberrant splicing (PMID: 17576681, 9536098). Algorithms developed to predict the effect of sequence changes on RNA splicing suggest that this variant may disrupt the consensus splice site. For these reasons, this variant has been classified as Pathogenic.

Literature cited by the submitters: PubMed 17576681; PubMed 9536098.

NM_172107.4(KCNQ2):c.1763+5G>C

Gene: KCNQ2 (potassium voltage-gated channel subfamily Q member 2; minus strand). Cytogenetic location: 20q13.33.
Variant type: single nucleotide variant.
Coding change: c.1763+5G>C on transcript NM_172107.4 (MANE Select); 5 bases into the intron after coding-DNA position 1763, G replaced by C.
Molecular consequence: intron variant.
Genome position (GRCh38, 1-based): chr20:63,413,445, C>G on the plus strand (G>C on the coding strand, the complement: KCNQ2 is on the minus strand). VCF-style: chr20-63413445-C-G. GRCh37 (hg19) VCF-style: chr20-62044798-C-G.
Other names: c.1679+5G>C (NM_004518.6); c.1670+5G>C (NM_172108.5); c.1709+5G>C (NM_172106.3, NM_001382235.1).
Identifiers: ClinVar variation 3661924 (VCV003661924.2).